The following is an entry in ClinVar:

ClinVar aggregate classification (germline): Uncertain significance. Review status: criteria provided, multiple submitters, no conflicts (2 of 4 stars). 2 submissions from 2 submitters: Uncertain significance (2). Last evaluated 2026-06-10.

Conditions:
Inborn genetic diseases. Identifiers: MedGen C0950123, MeSH D030342.
Intellectual developmental disorder, X-linked 104. Also called: Intellectual disability, X-linked 104. Identifiers: MedGen C4310817, MONDO:0010509, OMIM 300983.

Allele frequency attached by ClinVar (database versions not stated): gnomAD exomes 0.00001 and below 0.00001; TOPMed 0.00002.
gnomAD v4.1: 2 of 1,211,181 alleles (0.00017%); highest among the groups gnomAD compares: Admixed American, 0.0043%; no homozygotes.

Submissions (2):

Ambry Genetics
Classification: Uncertain significance for Inborn genetic diseases. Last evaluated: 2026-06-10. Review status: criteria provided, single submitter. Criteria: Ambry Variant Classification Scheme 2023. Collection method: clinical testing. Allele origin: germline.
Comment: The c.2882G>A (p.G961E) alteration is located in exon 16 (coding exon 16) of the FRMPD4 gene. This alteration results from a G to A substitution at nucleotide position 2882, causing the glycine (G) at amino acid position 961 to be replaced by a glutamic acid (E). Based on data from gnomAD, the A allele has an overall frequency of <0.001% (1/183128) total alleles studied. The highest observed frequency was 0.004% (1/27422) of Latino alleles. Based on insufficient or conflicting evidence, the clinical significance of this alteration remains unclear.

New York Genome Center
Classification: Uncertain significance for Intellectual developmental disorder, X-linked 104. Last evaluated: 2021-08-12. Review status: criteria provided, single submitter. Criteria: NYGC Assertion Criteria 2020. Collection method: clinical testing. Allele origin: germline. Observed: 1 heterozygote. Study: CSER-NYCKidSeq.

NM_001368397.1(FRMPD4):c.2882G>A (p.Gly961Glu)

Gene: FRMPD4 (FERM and PDZ domain containing 4; plus strand). Cytogenetic location: Xp22.2.
Variant type: single nucleotide variant.
Coding change: c.2882G>A on transcript NM_001368397.1 (MANE Select); coding-DNA position 2882, G replaced by A.
Protein change: p.Gly961Glu; replaces glycine 961 with glutamic acid.
Molecular consequence: missense variant.
Genome position (GRCh38, 1-based): chrX:12,717,708, G>A. VCF-style: chrX-12717708-G-A. GRCh37 (hg19) VCF-style: chrX-12735827-G-A.
Other names: c.2993G>A, p.Gly998Glu (NM_001368395.3, NM_001368398.3); c.2888G>A, p.Gly963Glu (NM_001368396.3); c.2873G>A, p.Gly958Glu (NM_001368399.3); c.2762G>A, p.Gly921Glu (NM_001368400.3); c.2858G>A, p.Gly953Glu (NM_001368401.1, NM_001368402.3); c.2882G>A, p.Gly961Glu (NM_014728.3); short protein forms G921E, G953E, G958E, G961E, G963E, G998E.
Identifiers: ClinVar variation 1701762 (VCV001701762.2), dbSNP rs1281878974, ClinGen allele CA412316035.